The following is an entry in ClinVar:

NM_002500.5(NEUROD1):c.738G>A (p.Pro246=)

Gene: NEUROD1 (neuronal differentiation 1; minus strand). Cytogenetic location: 2q31.3.
Variant type: single nucleotide variant.
Coding change: c.738G>A on transcript NM_002500.5 (MANE Select); coding-DNA position 738, G replaced by A.
Protein change: p.Pro246=; no amino-acid change (proline 246 retained).
Molecular consequence: synonymous variant.
Genome position (GRCh38, 1-based): chr2:181,678,123, C>T on the plus strand (G>A on the coding strand, the complement: NEUROD1 is on the minus strand). VCF-style: chr2-181678123-C-T. GRCh37 (hg19) VCF-style: chr2-182542850-C-T.
Identifiers: ClinVar variation 897853 (VCV000897853.13), dbSNP rs115207271, ClinGen allele CA2011073.

ClinVar aggregate classification (germline): Benign/Likely benign. Review status: criteria provided, multiple submitters, no conflicts (2 of 4 stars). 3 submissions from 3 submitters: Benign (1); Likely benign (2). Last evaluated 2026-01-27.

Conditions:
Maturity-onset diabetes of the young type 6 (MODY6). Identifiers: Orphanet 552, MedGen C1853371, MONDO:0011668, OMIM 606394.

Allele frequency attached by ClinVar (database versions not stated): gnomAD exomes 0.00012; ExAC 0.00016; gnomAD 0.00029; TOPMed 0.00031; 1000 Genomes Project 0.00060; 1000 Genomes Project 30x 0.00062; ESP Exome Variant Server 0.00085.
gnomAD v4.1: 118 of 1,614,128 alleles (0.0073%); highest among the groups gnomAD compares: African/African-American, 0.11%; 1 homozygote.

Submissions (3):

Labcorp Genetics (formerly Invitae), Labcorp
Classification: Likely benign. Last evaluated: 2026-01-27. Review status: criteria provided, single submitter. Criteria: Invitae Variant Classification Sherloc (09022015). Collection method: clinical testing. Allele origin: germline.

Women's Health and Genetics/Laboratory Corporation of America, LabCorp
Classification: Benign. Last evaluated: 2024-09-16. Review status: criteria provided, single submitter. Criteria: LabCorp Variant Classification Summary - May 2015. Collection method: clinical testing. Allele origin: germline.

Illumina Laboratory Services, Illumina
Classification: Likely benign for Maturity-onset diabetes of the young type 6. Last evaluated: 2018-01-12. Review status: criteria provided, single submitter. Criteria: ICSL Variant Classification Criteria 13 December 2019. Collection method: clinical testing. Allele origin: germline.
Comment: This variant was observed in the ICSL laboratory as part of a predisposition screen in an ostensibly healthy population. It had not been previously curated by ICSL or reported in the Human Gene Mutation Database (HGMD: prior to June 1st, 2018), and was therefore a candidate for classification through an automated scoring system. Utilizing variant allele frequency, disease prevalence and penetrance estimates, and inheritance mode, an automated score was calculated to assess if this variant is too frequent to cause the disease. Based on the score and internal cut-off values, a variant classified as likely benign is not then subjected to further curation. The score for this variant resulted in a classification of likely benign for this disease.